The following is an entry in ClinVar:

NM_001395159.1(UNC79):c.7214C>G (p.Ala2405Gly)

Gene: UNC79 (unc-79 homolog, NALCN channel complex subunit; plus strand). Cytogenetic location: 14q32.12.
Variant type: single nucleotide variant.
Coding change: c.7214C>G on transcript NM_001395159.1 (MANE Select); coding-DNA position 7214, C replaced by G.
Protein change: p.Ala2405Gly; replaces alanine 2405 with glycine.
Molecular consequence: missense variant.
Genome position (GRCh38, 1-based): chr14:93,686,633, C>G. VCF-style: chr14-93686633-C-G. GRCh37 (hg19) VCF-style: chr14-94152979-C-G.
Other names: c.7148C>G, p.Ala2383Gly (NM_001346218.2); c.6467C>G, p.Ala2156Gly (NM_020818.5); short protein forms A2156G, A2383G, A2405G.
Identifiers: ClinVar variation 3371954 (VCV003371954.1).

ClinVar aggregate classification (germline): Uncertain significance (1 of 4 stars; one submission).

Submission:

GeneDx
Classification: Uncertain significance. Last evaluated: 2024-04-03. Review status: criteria provided, single submitter. Criteria: GeneDx Variant Classification Process June 2021. Collection method: clinical testing. Allele origin: germline. Affected: yes.
Comment: Not observed at significant frequency in large population cohorts (gnomAD); In silico analysis supports that this missense variant has a deleterious effect on protein structure/function; Has not been previously published as pathogenic or benign to our knowledge